The following is an entry in ClinVar:

NM_000057.4(BLM):c.1763A>C (p.Lys588Thr)

Gene: BLM (BLM RecQ like helicase; plus strand). Cytogenetic location: 15q26.1.
Variant type: single nucleotide variant.
Coding change: c.1763A>C on transcript NM_000057.4 (MANE Select); coding-DNA position 1763, A replaced by C.
Protein change: p.Lys588Thr; replaces lysine 588 with threonine.
Molecular consequence: missense variant.
Genome position (GRCh38, 1-based): chr15:90,761,136, A>C. VCF-style: chr15-90761136-A-C. GRCh37 (hg19) VCF-style: chr15-91304366-A-C.
Other names: c.1763A>C, p.Lys588Thr (NM_001287246.2, NM_001287247.2); c.638A>C, p.Lys213Thr (NM_001287248.2); short protein forms K213T, K588T.
Identifiers: ClinVar variation 2452571 (VCV002452571.2), dbSNP rs2505428813, ClinGen allele CA393843791.

ClinVar aggregate classification (germline): Uncertain significance (1 of 4 stars; one submission).

Conditions:
Hereditary cancer-predisposing syndrome. Also called: Neoplastic Syndromes, Hereditary; Tumor predisposition; Hereditary neoplastic syndrome; Hereditary Cancer Syndrome. Identifiers: Orphanet 140162, MedGen C0027672, MeSH D009386, MONDO:0015356.

Submission:

Ambry Genetics
Classification: Uncertain significance for Hereditary cancer-predisposing syndrome. Last evaluated: 2023-03-02. Review status: criteria provided, single submitter. Criteria: Ambry Variant Classification Scheme 2023. Collection method: clinical testing. Allele origin: germline.
Comment: The p.K588T variant (also known as c.1763A>C), located in coding exon 6 of the BLM gene, results from an A to C substitution at nucleotide position 1763. The lysine at codon 588 is replaced by threonine, an amino acid with similar properties. This amino acid position is conserved. In addition, this alteration is predicted to be tolerated by in silico analysis. Since supporting evidence is limited at this time, the clinical significance of this alteration remains unclear.